The following is an entry in ClinVar:

ClinVar aggregate classification (germline): Uncertain significance (1 of 4 stars; one submission).

Conditions:
Ehlers-Danlos syndrome, type 4 (EDSVASC). Also called: Ehlers-Danlos syndrome vascular type; Ehlers Danlos syndrome, ecchymotic type; Ehlers Danlos syndrome, arterial type; Ehlers Danlos syndrome, Sack-Barabas type; Ehlers-Danlos Syndrome Type IV. Identifiers: Orphanet 286, MedGen C0268338, MONDO:0017314, OMIM 130050.

Submission:

Labcorp Genetics (formerly Invitae), Labcorp
Classification: Uncertain significance for Ehlers-Danlos syndrome, type 4. Last evaluated: 2024-01-11. Review status: criteria provided, single submitter. Criteria: Invitae Variant Classification Sherloc (09022015). Collection method: clinical testing. Allele origin: germline.
Comment: This sequence change replaces isoleucine, which is neutral and non-polar, with methionine, which is neutral and non-polar, at codon 52 of the COL3A1 protein (p.Ile52Met). This variant is not present in population databases (gnomAD no frequency). This variant has not been reported in the literature in individuals affected with COL3A1-related conditions. Advanced modeling of protein sequence and biophysical properties (such as structural, functional, and spatial information, amino acid conservation, physicochemical variation, residue mobility, and thermodynamic stability) performed at Invitae indicates that this missense variant is not expected to disrupt COL3A1 protein function with a negative predictive value of 95%. In summary, the available evidence is currently insufficient to determine the role of this variant in disease. Therefore, it has been classified as a Variant of Uncertain Significance.

NM_000090.4(COL3A1):c.156A>G (p.Ile52Met)

Gene: COL3A1 (collagen type III alpha 1 chain; plus strand). Cytogenetic location: 2q32.2.
Variant type: single nucleotide variant.
Coding change: c.156A>G on transcript NM_000090.4 (MANE Select); coding-DNA position 156, A replaced by G.
Protein change: p.Ile52Met; replaces isoleucine 52 with methionine.
Molecular consequence: missense variant.
Genome position (GRCh38, 1-based): chr2:188,984,836, A>G. VCF-style: chr2-188984836-A-G. GRCh37 (hg19) VCF-style: chr2-189849562-A-G.
Other names: short protein forms I52M.
Identifiers: ClinVar variation 2954987 (VCV002954987.3), dbSNP rs2469105728, ClinGen allele CA349847033.